The following is an entry in ClinVar:

NM_003105.6(SORL1):c.883G>A (p.Glu295Lys)

Gene: SORL1 (sortilin related receptor 1; plus strand). Cytogenetic location: 11q24.1.
Variant type: single nucleotide variant.
Coding change: c.883G>A on transcript NM_003105.6 (MANE Select); coding-DNA position 883, G replaced by A.
Protein change: p.Glu295Lys; replaces glutamic acid 295 with lysine.
Molecular consequence: missense variant.
Genome position (GRCh38, 1-based): chr11:121,496,993, G>A. VCF-style: chr11-121496993-G-A. GRCh37 (hg19) VCF-style: chr11-121367702-G-A.
Other names: short protein forms E295K.
Identifiers: ClinVar variation 2121381 (VCV002121381.5), dbSNP rs2496788972, ClinGen allele CA383286926.

ClinVar aggregate classification (germline): Uncertain significance. Review status: criteria provided, multiple submitters, no conflicts (2 of 4 stars). 2 submissions from 2 submitters: Uncertain significance (2). Last evaluated 2022-10-25.

Allele frequency attached by ClinVar (database versions not stated): gnomAD exomes 0.00002.

Submissions (2):

Ambry Genetics
Classification: Uncertain significance. Last evaluated: 2022-10-25. Review status: criteria provided, single submitter. Criteria: Ambry Variant Classification Scheme 2023. Collection method: clinical testing. Allele origin: germline.

Labcorp Genetics (formerly Invitae), Labcorp
Classification: Uncertain significance. Last evaluated: 2022-09-22. Review status: criteria provided, single submitter. Criteria: Invitae Variant Classification Sherloc (09022015). Collection method: clinical testing. Allele origin: germline.
Comment: In summary, the available evidence is currently insufficient to determine the role of this variant in disease. Therefore, it has been classified as a Variant of Uncertain Significance. Algorithms developed to predict the effect of missense changes on protein structure and function are either unavailable or do not agree on the potential impact of this missense change (SIFT: "Deleterious"; PolyPhen-2: "Possibly Damaging"; Align-GVGD: "Class C0"). This variant has not been reported in the literature in individuals affected with SORL1-related conditions. This variant is not present in population databases (gnomAD no frequency). This sequence change replaces glutamic acid, which is acidic and polar, with lysine, which is basic and polar, at codon 295 of the SORL1 protein (p.Glu295Lys).